The following is an entry in ClinVar:

ClinVar aggregate classification (germline): Conflicting classifications of pathogenicity. Review status: criteria provided, conflicting classifications (1 of 4 stars). 6 submissions from 6 submitters: Uncertain significance (1); Likely benign (4). 1 of the submissions does not count toward it. Last evaluated 2025-08-11.

Conditions:
DHCR7-related disorder. Also called: DHCR7-related condition.
Inborn genetic diseases. Identifiers: MedGen C0950123, MeSH D030342.
Smith-Lemli-Opitz syndrome (SLOS). Also called: 7-Dehydrocholesterol reductase deficiency; LETHAL ACRODYSGENITAL SYNDROME; POLYDACTYLY, SEX REVERSAL, RENAL HYPOPLASIA, AND UNILOBAR LUNG; RSH SYNDROME; RUTLEDGE LETHAL MULTIPLE CONGENITAL ANOMALY SYNDROME. Identifiers: Orphanet 818, MedGen C0175694, MONDO:0010035, OMIM 270400.

Allele frequency attached by ClinVar (database versions not stated): ExAC 0.00003; gnomAD exomes 0.00004 and 0.00006; gnomAD 0.00005 and 0.00006; TOPMed 0.00005.
gnomAD v4.1: 95 of 1,613,044 alleles (0.0059%); highest among the groups gnomAD compares: Non-Finnish European, 0.0071%; no homozygotes.

Submissions (6):

Labcorp Genetics (formerly Invitae), Labcorp
Classification: Likely benign for Smith-Lemli-Opitz syndrome. Last evaluated: 2025-08-11. Review status: criteria provided, single submitter. Criteria: Invitae Variant Classification Sherloc (09022015). Collection method: clinical testing. Allele origin: germline.

Ambry Genetics
Classification: Likely benign for Inborn genetic diseases. Last evaluated: 2024-02-16. Review status: criteria provided, single submitter. Criteria: Ambry Variant Classification Scheme 2023. Collection method: clinical testing. Allele origin: germline.

CeGaT Center for Human Genetics Tuebingen
Classification: Likely benign. Last evaluated: 2023-01-01. Review status: criteria provided, single submitter. Criteria: CeGaT Center For Human Genetics Tuebingen Variant Classification Criteria Version 2. Collection method: clinical testing. Allele origin: germline. Affected: yes. Observed: 1 variant allele.
Comment: DHCR7: BP4, BP7

GeneDx
Classification: Likely benign. Last evaluated: 2021-03-03. Review status: criteria provided, single submitter. Criteria: GeneDx Variant Classification Process June 2021. Collection method: clinical testing. Allele origin: germline. Affected: yes.

Eurofins Ntd Llc (ga)
Classification: Uncertain significance. Last evaluated: 2017-05-02. Review status: criteria provided, single submitter. Criteria: EGL Classification Definitions 2015. Collection method: clinical testing. Allele origin: germline. Observed: 1 variant allele, 1 heterozygote.

PreventionGenetics, part of Exact Sciences
Classification: Likely benign for DHCR7-related condition. Last evaluated: 2024-06-23. Review status: no assertion criteria provided. Collection method: clinical testing. Allele origin: germline. Not counted in ClinVar's aggregate classification.
Comment: This variant is classified as likely benign based on ACMG/AMP sequence variant interpretation guidelines (Richards et al. 2015 PMID: 25741868, with internal and published modifications).

NM_001360.3(DHCR7):c.288C>T (p.Ala96=)

Gene: DHCR7 (7-dehydrocholesterol reductase; minus strand). Cytogenetic location: 11q13.4.
Variant type: single nucleotide variant.
Coding change: c.288C>T on transcript NM_001360.3 (MANE Select); coding-DNA position 288, C replaced by T.
Protein change: p.Ala96=; no amino-acid change (alanine 96 retained).
Molecular consequence: synonymous variant.
Genome position (GRCh38, 1-based): chr11:71,444,026, G>A on the plus strand (C>T on the coding strand, the complement: DHCR7 is on the minus strand). VCF-style: chr11-71444026-G-A. GRCh37 (hg19) VCF-style: chr11-71155072-G-A.
Other names: c.288C>T, p.Ala96= (NM_001163817.2).
Identifiers: ClinVar variation 501852 (VCV000501852.43), dbSNP rs745595242, ClinGen allele CA6162646.